The following is an entry in ClinVar:

ClinVar aggregate classification (germline): Uncertain significance (1 of 4 stars; one submission).

Conditions:
Malignant hyperthermia, susceptibility to, 5 (MHS5). Also called: CACNA1S-Related Malignant Hyperthermia Susceptibility. Identifiers: Orphanet 423, MedGen C1866077, MONDO:0011163, OMIM 601887.

Submission:

Color Diagnostics, LLC DBA Color Health
Classification: Uncertain significance for Malignant hyperthermia, susceptibility to, 5. Last evaluated: 2025-08-22. Review status: criteria provided, single submitter. Criteria: ACMG Guidelines, 2015. Collection method: clinical testing. Allele origin: germline.
Comment: This missense variant replaces proline with leucine at codon 521 of the CACNA1S protein. To our knowledge, functional studies have not been reported for this variant. This variant has not been reported in individuals affected with CACNA1S-related disorders in the literature. This variant has not been identified in the general population by the Genome Aggregation Database (gnomAD). The available evidence is insufficient to determine the role of this variant in disease conclusively. Therefore, this variant is classified as a Variant of Uncertain Significance.

NM_000069.3(CACNA1S):c.1562_1564delinsTCT (p.Pro521Leu)

Gene: CACNA1S (calcium voltage-gated channel subunit alpha1 S; minus strand). Cytogenetic location: 1q32.1.
Variant type: Indel.
Coding change: c.1562_1564delinsTCT on transcript NM_000069.3 (MANE Select); coding-DNA positions 1562 to 1564, CCC replaced by TCT.
Protein change: p.Pro521Leu; replaces proline 521 with leucine.
Molecular consequence: missense variant.
Genome position (GRCh38, 1-based): chr1:201,077,934-201,077,936, GGG replaced by AGA on the plus strand (CCC replaced by TCT on the coding strand, the reverse complement: CACNA1S is on the minus strand). VCF-style: chr1-201077934-GGG-AGA. GRCh37 (hg19) VCF-style: chr1-201047062-GGG-AGA.
Other names: short protein forms P521L.
Identifiers: ClinVar variation 4758562 (VCV004758562.1).
Genomic context (GRCh38, chr1:201,077,934, plus strand): 5'-CTCACTTGGTGATCTTGAAGATCCTCAGGAGGCGGATGCAGCGGAGCACGGAGATGCCCA[GGG>AGA]GTGTCATGGCACCCGACTCCACCAGCAGGATCTCCAGGATACCGCTACACACCACGAAGC-3'
Protein context (NP_000060.2, residues 511-531): ILLVESGAMT[Pro521Leu]LGISVLRCIR